The following is an entry in ClinVar:

NC_000016.10:g.(?_23624009)_(23624094_?)del

Gene: PALB2 (partner and localizer of BRCA2; minus strand). Cytogenetic location: 16p12.2.
Variant type: Deletion.
Identifiers: ClinVar variation 417513 (VCV000417513.2).

ClinVar aggregate classification (germline): Pathogenic (1 of 4 stars; one submission).

Conditions:
Familial cancer of breast. Also called: Hereditary breast cancer; BREAST CANCER, FAMILIAL; hereditary breast carcinoma. Identifiers: Orphanet 227535, MedGen C0346153, MONDO:0016419, OMIM 114480. Disease mechanism: loss of function.

Submission:

Labcorp Genetics (formerly Invitae), Labcorp
Classification: Pathogenic for Familial cancer of breast. Last evaluated: 2016-11-28. Review status: criteria provided, single submitter. Criteria: Invitae Variant Classification Sherloc (09022015). Collection method: clinical testing. Allele origin: germline.
Comment: This variant is a gross deletion of the genomic region encompassing exon 8 of the PALB2 gene. This creates a premature translational stop signal and is expected to result in an absent or disrupted protein product. While this particular variant has not been reported in the literature, loss-of-function variants in PALB2 are known to be pathogenic (PMID: 25099575, 17200668). For these reasons, this variant has been classified as Pathogenic.